The following is an entry in ClinVar:

ClinVar aggregate classification (germline): Uncertain significance (1 of 4 stars; one submission).

Allele frequency attached by ClinVar (database versions not stated): TOPMed below 0.00001; gnomAD 0.00001; gnomAD exomes 0.00001; ExAC 0.00002.
gnomAD v4.1: 12 of 1,606,224 alleles (0.00075%); highest among the groups gnomAD compares: Non-Finnish European, 0.001%; no homozygotes.

Submission:

Labcorp Genetics (formerly Invitae), Labcorp
Classification: Uncertain significance. Last evaluated: 2024-04-23. Review status: criteria provided, single submitter. Criteria: Invitae Variant Classification Sherloc (09022015). Collection method: clinical testing. Allele origin: germline.
Comment: This sequence change replaces methionine, which is neutral and non-polar, with threonine, which is neutral and polar, at codon 630 of the C6 protein (p.Met630Thr). This variant is present in population databases (rs762841413, gnomAD 0.002%). This variant has not been reported in the literature in individuals affected with C6-related conditions. ClinVar contains an entry for this variant (Variation ID: 1512549). An algorithm developed to predict the effect of missense changes on protein structure and function (PolyPhen-2) suggests that this variant is likely to be tolerated. In summary, the available evidence is currently insufficient to determine the role of this variant in disease. Therefore, it has been classified as a Variant of Uncertain Significance.

NM_000065.5(C6):c.1889T>C (p.Met630Thr)

Gene: C6 (complement C6; minus strand). Cytogenetic location: 5p13.1.
Variant type: single nucleotide variant.
Coding change: c.1889T>C on transcript NM_000065.5 (MANE Select); coding-DNA position 1889, T replaced by C.
Protein change: p.Met630Thr; replaces methionine 630 with threonine.
Molecular consequence: missense variant.
Genome position (GRCh38, 1-based): chr5:41,158,753, A>G on the plus strand (T>C on the coding strand, the complement: C6 is on the minus strand). VCF-style: chr5-41158753-A-G. GRCh37 (hg19) VCF-style: chr5-41158855-A-G.
Other names: c.1889T>C, p.Met630Thr (NM_001115131.4); short protein forms M630T.
Identifiers: ClinVar variation 1512549 (VCV001512549.6), dbSNP rs762841413, ClinGen allele CA3252285.
Genomic context (GRCh38, chr5:41,158,753, plus strand): 5'-GGAGGAACTGGCTGAGGACACCCGGAATCTGCTTCTATCTCAGGAAGATCGACCTCTTTC[A>G]TTTCTTCGTCATCATTGATACATGGTTGTCCACTAAAAGGGAAACATAAATATGTGTGTA-3'
Protein context (NP_000056.2, residues 620-640): GQPCINDDEE[Met630Thr]KEVDLPEIEA